The following is an entry in ClinVar:

ClinVar aggregate classification (germline): Uncertain significance (1 of 4 stars; one submission).

Conditions:
Diamond-Blackfan anemia 3 (DBA3). Also called: RPS24-Related Diamond-Blackfan Anemia. Identifiers: Orphanet 124, MedGen C1857719, MONDO:0012529, OMIM 610629.

Allele frequency attached by ClinVar (database versions not stated): TOPMed 0.00020; gnomAD exomes 0.00001 and 0.00003; gnomAD 0.00017 and 0.00019; ExAC 0.00007.
gnomAD v4.1: 42 of 1,543,748 alleles (0.0027%); highest among the groups gnomAD compares: African/African-American, 0.043%; no homozygotes.

Submission:

Baylor Genetics
Classification: Uncertain significance for Diamond-Blackfan anemia 3. Last evaluated: 2020-12-04. Review status: criteria provided, single submitter. Criteria: ACMG Guidelines, 2015. Collection method: clinical testing. Allele origin: maternal. Affected: yes. Study: CSER-TexasKidsCanSeq.
Comment: This variant was determined to be of uncertain significance according to ACMG Guidelines, 2015 [PMID:25741868].

NM_001142285.2(RPS24):c.409G>A (p.Gly137Arg)

Gene: RPS24 (ribosomal protein S24; plus strand). Cytogenetic location: 10q22.3.
Variant type: single nucleotide variant.
Coding change: c.409G>A on transcript NM_001142285.2; coding-DNA position 409, G replaced by A.
Protein change: p.Gly137Arg; replaces glycine 137 with arginine.
Molecular consequence: missense variant.
Genome position (GRCh38, 1-based): chr10:78,054,549, G>A. VCF-style: chr10-78054549-G-A. GRCh37 (hg19) VCF-style: chr10-79814307-G-A.
Other names: short protein forms G137R.
Identifiers: ClinVar variation 997675 (VCV000997675.4), dbSNP rs763683559, ClinGen allele CA5572081.